The following is an entry in ClinVar:

ClinVar aggregate classification (germline): Pathogenic (1 of 4 stars; one submission).

Submission:

Labcorp Genetics (formerly Invitae), Labcorp
Classification: Pathogenic. Last evaluated: 2023-03-29. Review status: criteria provided, single submitter. Criteria: Invitae Variant Classification Sherloc (09022015). Collection method: clinical testing. Allele origin: germline.
Comment: This sequence change creates a premature translational stop signal (p.Glu489Aspfs*13) in the PCNT gene. It is expected to result in an absent or disrupted protein product. Loss-of-function variants in PCNT are known to be pathogenic (PMID: 18174396, 22821869). This variant is not present in population databases (gnomAD no frequency). This variant has not been reported in the literature in individuals affected with PCNT-related conditions. For these reasons, this variant has been classified as Pathogenic.

Literature cited by the submitters: PubMed 18174396; PubMed 22821869.

NM_006031.6(PCNT):c.1467del (p.Glu489fs)

Gene: PCNT (pericentrin; plus strand). Cytogenetic location: 21q22.3.
Variant type: Deletion.
Coding change: c.1467del on transcript NM_006031.6 (MANE Select); coding-DNA position 1467, one base deleted (G; older notation c.1467delG).
Protein change: p.Glu489fs; shifts the reading frame from glutamic acid 489.
Molecular consequence: frameshift variant.
Genome position (GRCh38, 1-based): chr21:46,353,114, G deleted. VCF-style (leftmost placement, unchanged base first): chr21-46353113-AG-A. GRCh37 (hg19) VCF-style: chr21-47773027-AG-A.
Other names: c.1113del, p.Glu371fs (NM_001315529.2); short protein forms E371fs, E489fs.
Identifiers: ClinVar variation 2850575 (VCV002850575.3), dbSNP rs2518116985, ClinGen allele CA2739267762.